The following is an entry in ClinVar:

ClinVar aggregate classification (germline): Likely benign. Review status: criteria provided, multiple submitters, no conflicts (2 of 4 stars). 3 submissions from 3 submitters: Likely benign (2). 1 of the submissions does not count toward it. Last evaluated 2017-02-20.

Conditions:
TMLHE-related disorder. Also called: TMLHE-related condition.

Allele frequency attached by ClinVar (database versions not stated): gnomAD exomes 0.00020 and 0.00054; ExAC 0.00068; 1000 Genomes Project 0.00185; gnomAD 0.00203 and 0.00217; 1000 Genomes Project 30x 0.00229; TOPMed 0.00242; ESP Exome Variant Server 0.00293.
gnomAD v4.1: 446 of 1,200,801 alleles (0.037%); highest among the groups gnomAD compares: African/African-American, 0.75%; 1 homozygote.

Submissions (3):

GeneDx
Classification: Likely benign. Last evaluated: 2017-02-20. Review status: criteria provided, single submitter. Criteria: GeneDx Variant Classification (06012015). Collection method: clinical testing. Allele origin: germline. Affected: yes.
Comment: This variant is considered likely benign or benign based on one or more of the following criteria: it is a conservative change, it occurs at a poorly conserved position in the protein, it is predicted to be benign by multiple in silico algorithms, and/or has population frequency not consistent with disease.

Breakthrough Genomics
Classification: Likely benign. Review status: criteria provided, single submitter. Criteria: ACMG Guidelines, 2015. Collection method: not provided. Allele origin: germline. Inheritance: X-linked inheritance. Affected: yes.

PreventionGenetics, part of Exact Sciences
Classification: Benign for TMLHE-related condition. Last evaluated: 2020-10-27. Review status: no assertion criteria provided. Collection method: clinical testing. Allele origin: germline. Not counted in ClinVar's aggregate classification.
Comment: This variant is classified as benign based on ACMG/AMP sequence variant interpretation guidelines (Richards et al. 2015 PMID: 25741868, with internal and published modifications).

NM_018196.4(TMLHE):c.704C>A (p.Thr235Asn)

Gene: TMLHE (trimethyllysine hydroxylase, epsilon; minus strand). Cytogenetic location: Xq28.
Variant type: single nucleotide variant.
Coding change: c.704C>A on transcript NM_018196.4 (MANE Select); coding-DNA position 704, C replaced by A.
Protein change: p.Thr235Asn; replaces threonine 235 with asparagine.
Molecular consequence: missense variant.
Genome position (GRCh38, 1-based): chrX:155,511,727, G>T on the plus strand (C>A on the coding strand, the complement: TMLHE is on the minus strand). VCF-style: chrX-155511727-G-T. GRCh37 (hg19) VCF-style: chrX-154741388-G-T.
Other names: c.704C>A, p.Thr235Asn (NM_001184797.2); short protein forms T235N.
Identifiers: ClinVar variation 507632 (VCV000507632.4), dbSNP rs140048282, ClinGen allele CA10569495.